The following is an entry in ClinVar:

NM_001854.4(COL11A1):c.3928C>G (p.Pro1310Ala)

Gene: COL11A1 (collagen type XI alpha 1 chain; minus strand). Cytogenetic location: 1p21.1.
Variant type: single nucleotide variant.
Coding change: c.3928C>G on transcript NM_001854.4 (MANE Select); coding-DNA position 3928, C replaced by G.
Protein change: p.Pro1310Ala; replaces proline 1310 with alanine.
Molecular consequence: missense variant. On other transcripts: non-coding transcript variant (1).
Genome position (GRCh38, 1-based): chr1:102,914,402, G>C on the plus strand (C>G on the coding strand, the complement: COL11A1 is on the minus strand). VCF-style: chr1-102914402-G-C. GRCh37 (hg19) VCF-style: chr1-103379958-G-C.
Other names: c.3811C>G, p.Pro1271Ala (NM_001190709.2); c.3964C>G, p.Pro1322Ala (NM_080629.3); c.3580C>G, p.Pro1194Ala (NM_080630.4); short protein forms P1271A, P1322A, P1194A, P1310A.
Identifiers: ClinVar variation 3730634 (VCV003730634.2).
Genomic context (GRCh38, chr1:102,914,402, plus strand): 5'-TGATACTTACTGCAGGGCCAGGTTCCCCAGGAGGACCAGGATCTCCAGGAAAACCAACAG[G>C]ACCCTAGAATGACGTTTTGAAAGAAAAAGAAATAAATGAAAAATAAATTTTTATAAAATT-3'
Protein context (NP_001845.3, residues 1300-1320): GDDGPKGNPG[Pro1310Ala]VGFPGDPGPP

ClinVar aggregate classification (germline): Uncertain significance (1 of 4 stars; one submission).

Submission:

Labcorp Genetics (formerly Invitae), Labcorp
Classification: Uncertain significance. Last evaluated: 2024-11-05. Review status: criteria provided, single submitter. Criteria: Invitae Variant Classification Sherloc (09022015). Collection method: clinical testing. Allele origin: germline.
Comment: This sequence change replaces proline, which is neutral and non-polar, with alanine, which is neutral and non-polar, at codon 1310 of the COL11A1 protein (p.Pro1310Ala). This variant is not present in population databases (gnomAD no frequency). This variant has not been reported in the literature in individuals affected with COL11A1-related conditions. Invitae Evidence Modeling of protein sequence and biophysical properties (such as structural, functional, and spatial information, amino acid conservation, physicochemical variation, residue mobility, and thermodynamic stability) indicates that this missense variant is not expected to disrupt COL11A1 protein function with a negative predictive value of 80%. In summary, the available evidence is currently insufficient to determine the role of this variant in disease. Therefore, it has been classified as a Variant of Uncertain Significance.